The following is an entry in ClinVar:

ClinVar aggregate classification (germline): Uncertain significance (1 of 4 stars; one submission).

Submission:

Ambry Genetics
Classification: Uncertain significance. Last evaluated: 2024-12-20. Review status: criteria provided, single submitter. Criteria: Ambry Variant Classification Scheme 2023. Collection method: clinical testing. Allele origin: germline.
Comment: The p.D1199G variant (also known as c.3596A>G), located in coding exon 15 of the WNK2 gene, results from an A to G substitution at nucleotide position 3596. The aspartic acid at codon 1199 is replaced by glycine, an amino acid with similar properties. This amino acid position is conserved. In addition, this alteration is predicted to be deleterious by in silico analysis. Based on the available evidence, the clinical significance of this variant remains unclear.

NM_006648.4(WNK2):c.3596A>G (p.Asp1199Gly)

Gene: WNK2 (WNK lysine deficient protein kinase 2; plus strand). Cytogenetic location: 9q22.31.
Variant type: single nucleotide variant.
Coding change: c.3596A>G on transcript NM_006648.4 (MANE Select); coding-DNA position 3596, A replaced by G.
Protein change: p.Asp1199Gly; replaces aspartic acid 1199 with glycine.
Molecular consequence: missense variant.
Genome position (GRCh38, 1-based): chr9:93,263,933, A>G. VCF-style: chr9-93263933-A-G. GRCh37 (hg19) VCF-style: chr9-96026215-A-G.
Other names: c.3596A>G, p.Asp1199Gly (NM_001282394.3); short protein forms D1199G.
Identifiers: ClinVar variation 3816558 (VCV003816558.1).